The following is an entry in ClinVar:

ClinVar aggregate classification (germline): Uncertain significance (1 of 4 stars; one submission).

gnomAD v4.1: 3 of 1,613,990 alleles (0.00019%); highest among the groups gnomAD compares: East Asian, 0.0022%; no homozygotes.

Submission:

Labcorp Genetics (formerly Invitae), Labcorp
Classification: Uncertain significance. Last evaluated: 2022-06-04. Review status: criteria provided, single submitter. Criteria: Invitae Variant Classification Sherloc (09022015). Collection method: clinical testing. Allele origin: germline.
Comment: Algorithms developed to predict the effect of missense changes on protein structure and function are either unavailable or do not agree on the potential impact of this missense change (SIFT: "Deleterious"; PolyPhen-2: "Benign"; Align-GVGD: "Class C65"). In summary, the available evidence is currently insufficient to determine the role of this variant in disease. Therefore, it has been classified as a Variant of Uncertain Significance. This variant has not been reported in the literature in individuals affected with TRPM1-related conditions. This sequence change replaces arginine, which is basic and polar, with glycine, which is neutral and non-polar, at codon 1248 of the TRPM1 protein (p.Arg1248Gly). This variant is present in population databases (rs768382174, gnomAD 0.006%).

NM_001252024.2(TRPM1):c.3808C>G (p.Arg1270Gly)

Gene: TRPM1 (transient receptor potential cation channel subfamily M member 1; minus strand). Cytogenetic location: 15q13.3.
Variant type: single nucleotide variant.
Coding change: c.3808C>G on transcript NM_001252024.2 (MANE Select); coding-DNA position 3808, C replaced by G.
Protein change: p.Arg1270Gly; replaces arginine 1270 with glycine.
Molecular consequence: missense variant.
Genome position (GRCh38, 1-based): chr15:31,002,892, G>C on the plus strand (C>G on the coding strand, the complement: TRPM1 is on the minus strand). VCF-style: chr15-31002892-G-C. GRCh37 (hg19) VCF-style: chr15-31295095-G-C.
Other names: c.3859C>G, p.Arg1287Gly (NM_001252020.2); c.3742C>G, p.Arg1248Gly (NM_002420.6); short protein forms R1287G, R1248G, R1270G.
Identifiers: ClinVar variation 2049616 (VCV002049616.4), dbSNP rs768382174, ClinGen allele CA7451757.
Genomic context (GRCh38, chr15:31,002,892, plus strand): 5'-CAGCGCTATTGATGCTGCTTTGCCGGAGAAGATACGTTGCCTCACATTCAGAAGAAGCCC[G>C]GGACCGTGCCTGGATCAGGTCAGACCTGTCGATTCCCGCAAGATTTTCAAGAGCATTCAC-3'
Protein context (NP_001238953.1, residues 1260-1280): DRSDLIQARS[Arg1270Gly]ASSECEATYL